The following is an entry in ClinVar:

NM_001365999.1(SZT2):c.4999_5000dup (p.Leu1668fs)

Gene: SZT2 (SZT2 subunit of KICSTOR complex; plus strand). Cytogenetic location: 1p34.2.
Variant type: Duplication.
Coding change: c.4999_5000dup on transcript NM_001365999.1 (MANE Select); coding-DNA positions 4999 to 5000, 2 bases duplicated (CC; older notation c.4999_5000dupCC).
Protein change: p.Leu1668fs; shifts the reading frame from leucine 1668.
Molecular consequence: frameshift variant.
Genome position (GRCh38, 1-based): chr1:43,431,347-43,431,348, CC duplicated; duplicating any 2 consecutive bases within chr1:43,431,344-43,431,348 gives the same sequence; the c. name uses the placement nearest the transcript's 3' end. VCF-style (leftmost placement, unchanged base first): chr1-43431343-G-GCC. GRCh37 (hg19) VCF-style: chr1-43897014-G-GCC.
Other names: c.4828_4829dup, p.Leu1611fs (NM_015284.4); short protein forms L1611fs, L1668fs.
Identifiers: ClinVar variation 940204 (VCV000940204.7), dbSNP rs1653847504, ClinGen allele CA1139656092.

ClinVar aggregate classification (germline): Pathogenic (1 of 4 stars; one submission).

Submission:

Labcorp Genetics (formerly Invitae), Labcorp
Classification: Pathogenic. Last evaluated: 2019-05-23. Review status: criteria provided, single submitter. Criteria: Invitae Variant Classification Sherloc (09022015). Collection method: clinical testing. Allele origin: germline.
Comment: For these reasons, this variant has been classified as Pathogenic. Loss-of-function variants in SZT2 are known to be pathogenic (PMID: 23932106, 27248490, 28556953). This variant has not been reported in the literature in individuals with SZT2-related conditions. This variant is not present in population databases (ExAC no frequency). This sequence change creates a premature translational stop signal (p.Leu1611Hisfs*28) in the SZT2 gene. It is expected to result in an absent or disrupted protein product.

Literature cited by the submitters: PubMed 23932106; PubMed 27248490; PubMed 28556953.